The following is an entry in ClinVar:

NC_000016.9:g.(89825114_89828356)_(89877480_89880927)del

Gene: FANCA (FA complementation group A; minus strand). Cytogenetic location: 16q24.3.
Variant type: Deletion.
Identifiers: ClinVar variation 974093 (VCV000974093.1).

ClinVar aggregate classification (germline): Pathogenic (0 of 4 stars; one submission).

Conditions:
Fanconi anemia complementation group A (FANCA). Also called: Fanconi anemia, group A; FANCA-Related Fanconi Anemia. Identifiers: Orphanet 84, MedGen C3469521, MONDO:0009215, OMIM 227650.

Submission:

Leiden Open Variation Database
Classification: Pathogenic for Fanconi anemia complementation group A. Last evaluated: 2020-02-28. Review status: no assertion criteria provided. Collection method: curation. Allele origin: germline. Affected: yes.
Comment: Curator: Arleen D. Auerbach. Submitter to LOVD: Johan de Winter.

Literature cited by the submitters: PubMed 22778927.